The following is an entry in ClinVar:

NM_000038.6(APC):c.136-1001G>T

Gene: APC (APC regulator of WNT signaling pathway; plus strand). Cytogenetic location: 5q22.2.
Variant type: single nucleotide variant.
Coding change: c.136-1001G>T on transcript NM_000038.6 (MANE Select); 1001 bases into the intron before coding-DNA position 136, G replaced by T.
Molecular consequence: intron variant.
Genome position (GRCh38, 1-based): chr5:112,765,325, G>T. VCF-style: chr5-112765325-G-T. GRCh37 (hg19) VCF-style: chr5-112101022-G-T.
Other names: c.136-1001G>T (NM_001354895.2, NM_001127510.3, NM_001354896.2 and 2 more transcripts); c.166-1001G>T (NM_001354897.2, NM_001354902.2, NM_001127511.3); c.61-1001G>T (NM_001354898.2, NM_001354904.2); c.-900-1001G>T (NM_001354906.2); c.-42-1001G>T (NM_001354900.2, NM_001354901.2, NM_001354905.2).
Identifiers: ClinVar variation 82866 (VCV000082866.2), dbSNP rs79792854, ClinGen allele CA004462.

ClinVar aggregate classification (germline): other (0 of 4 stars; one submission).

Conditions:
Familial colorectal cancer. Identifiers: MedGen CN280943, MONDO:0023113. Disease mechanism: loss of function.

Submission:

Systems Biology Platform Zhejiang California International NanoSystems Institute
Classification: other for Familial colorectal cancer. Review status: no assertion criteria provided. Collection method: not provided. Allele origin: unknown.
ClinVar note: Converted during submission from cancer to other.